The following is an entry in ClinVar:

ClinVar aggregate classification (germline): Uncertain significance (1 of 4 stars; one submission).

Conditions:
NRP2-related disorder. Also called: NRP2-related condition.

Submission:

PreventionGenetics, part of Exact Sciences
Classification: Uncertain significance for NRP2-related condition. Last evaluated: 2025-08-18. Review status: criteria provided, single submitter. Criteria: ACMG Guidelines, 2015. Collection method: clinical testing. Allele origin: germline.
Comment: The NRP2 c.2120T>C variant is predicted to result in the amino acid substitution p.Val707Ala. To our knowledge, this variant has not been reported in the literature. This variant is reported in 0.00089% of alleles in individuals of European (Non-Finnish) descent in gnomAD. At this time, the clinical significance of this variant is uncertain due to the absence of conclusive functional and genetic evidence.

NM_003872.3(NRP2):c.2120T>C (p.Val707Ala)

Gene: NRP2 (neuropilin 2; plus strand). Cytogenetic location: 2q33.3.
Variant type: single nucleotide variant.
Coding change: c.2120T>C on transcript NM_003872.3 (MANE Select); coding-DNA position 2120, T replaced by C.
Protein change: p.Val707Ala; replaces valine 707 with alanine.
Molecular consequence: missense variant.
Genome position (GRCh38, 1-based): chr2:205,763,749, T>C. VCF-style: chr2-205763749-T-C. GRCh37 (hg19) VCF-style: chr2-206628473-T-C.
Other names: c.2120T>C, p.Val707Ala (NM_018534.4, NM_201266.2, NM_201267.2 and 1 more transcripts); short protein forms V707A.
Identifiers: ClinVar variation 4995932 (VCV004995932.1).
Genomic context (GRCh38, chr2:205,763,749, plus strand): 5'-TGCGGCTGCAGAGTGACAGCCAGAGAGAGGGCCAGTATGCCCGGCTCATCAGCCCCCCTG[T>C]CCACCTGCCCCGAAGCCCGGTGTGCATGGAGTTCCAGTACCAGGCCACGGGCGGCCGCGG-3'
Protein context (NP_003863.2, residues 697-717): GQYARLISPP[Val707Ala]HLPRSPVCME